The following is an entry in ClinVar:

NM_004371.4(COPA):c.386+7C>T

Gene: COPA (coat protein complex I subunit alpha; minus strand). Cytogenetic location: 1q23.2.
Variant type: single nucleotide variant.
Coding change: c.386+7C>T on transcript NM_004371.4 (MANE Select); 7 bases into the intron after coding-DNA position 386, C replaced by T.
Molecular consequence: intron variant.
Genome position (GRCh38, 1-based): chr1:160,333,596, G>A on the plus strand (C>T on the coding strand, the complement: COPA is on the minus strand). VCF-style: chr1-160333596-G-A. GRCh37 (hg19) VCF-style: chr1-160303386-G-A.
Other names: c.386+7C>T (NM_001098398.2).
Identifiers: ClinVar variation 1366350 (VCV001366350.8), dbSNP rs1488664481, ClinGen allele CA526599093.

ClinVar aggregate classification (germline): Uncertain significance (1 of 4 stars; one submission).

Conditions:
Autoimmune interstitial lung disease-arthritis syndrome. Also called: Autoinflammation and autoimmunity, systemic, with immune dysregulation. Identifiers: Orphanet 444092, MedGen C5975714, MONDO:0014629.

Allele frequency attached by ClinVar (database versions not stated): TOPMed below 0.00001.

Submission:

Labcorp Genetics (formerly Invitae), Labcorp
Classification: Uncertain significance for Autoimmune interstitial lung disease-arthritis syndrome. Last evaluated: 2022-10-19. Review status: criteria provided, single submitter. Criteria: Invitae Variant Classification Sherloc (09022015). Collection method: clinical testing. Allele origin: germline.
Comment: This sequence change falls in intron 5 of the COPA gene. It does not directly change the encoded amino acid sequence of the COPA protein. This variant is not present in population databases (gnomAD no frequency). This variant has not been reported in the literature in individuals affected with COPA-related conditions. ClinVar contains an entry for this variant (Variation ID: 1366350). Algorithms developed to predict the effect of sequence changes on RNA splicing suggest that this variant may create or strengthen a splice site. In summary, the available evidence is currently insufficient to determine the role of this variant in disease. Therefore, it has been classified as a Variant of Uncertain Significance.